The following is an entry in ClinVar:

ClinVar aggregate classification (germline): Benign/Likely benign. Review status: criteria provided, multiple submitters, no conflicts (2 of 4 stars). 7 submissions from 7 submitters: Benign (5); Likely benign (2). Last evaluated 2026-08-01.

Conditions:
Fanconi anemia (FA). Also called: Fanconi's anemia. Identifiers: Orphanet 84, MedGen C0015625, MeSH D005199, MONDO:0019391.
Fanconi anemia complementation group P. Also called: SLX4-Related Fanconi Anemia. Identifiers: Orphanet 84, MedGen C3469542, MONDO:0013499, OMIM 613951.

Allele frequency attached by ClinVar (database versions not stated): gnomAD exomes 0.00037 and 0.00099; ExAC 0.00127; gnomAD 0.00367 and 0.00396; TOPMed 0.00396; ESP Exome Variant Server 0.00408; 1000 Genomes Project 0.00459; 1000 Genomes Project 30x 0.00484.
gnomAD v4.1: 1,152 of 1,612,914 alleles (0.071%); highest among the groups gnomAD compares: African/African-American, 1.3%; 10 homozygotes.

Submissions (7):

CeGaT Center for Human Genetics Tuebingen
Classification: Likely benign. Last evaluated: 2026-08-01. Review status: criteria provided, single submitter. Criteria: CeGaT Center For Human Genetics Tuebingen Variant Classification Criteria Version 2. Collection method: clinical testing. Allele origin: germline. Affected: yes. Observed: 6 variant alleles.
Comment: SLX4: BP4, BP7, BS1

Labcorp Genetics (formerly Invitae), Labcorp
Classification: Benign for Fanconi anemia. Last evaluated: 2026-01-23. Review status: criteria provided, single submitter. Criteria: Invitae Variant Classification Sherloc (09022015). Collection method: clinical testing. Allele origin: germline.

Blueprint Genetics
Classification: Likely benign. Last evaluated: 2024-09-23. Review status: criteria provided, single submitter. Criteria: ACMG Guidelines, 2015. Collection method: clinical testing. Allele origin: germline.

ARUP Laboratories, Molecular Genetics and Genomics, ARUP Laboratories
Classification: Benign for Fanconi anemia complementation group P. Last evaluated: 2024-05-01. Review status: criteria provided, single submitter. Criteria: ARUP Molecular Germline Variant Investigation Process 2024. Collection method: clinical testing. Allele origin: germline.

Illumina Laboratory Services, Illumina
Classification: Benign for Fanconi anemia complementation group P. Last evaluated: 2018-01-13. Review status: criteria provided, single submitter. Criteria: ICSL Variant Classification Criteria 13 December 2019. Collection method: clinical testing. Allele origin: germline.
Comment: This variant was observed in the ICSL laboratory as part of a predisposition screen in an ostensibly healthy population. It had not been previously curated by ICSL or reported in the Human Gene Mutation Database (HGMD: prior to June 1st, 2018), and was therefore a candidate for classification through an automated scoring system. Utilizing variant allele frequency, disease prevalence and penetrance estimates, and inheritance mode, an automated score was calculated to assess if this variant is too frequent to cause the disease. Based on the score and internal cut-off values, a variant classified as benign is not then subjected to further curation. The score for this variant resulted in a classification of benign for this disease.

Breakthrough Genomics
Classification: Benign. Review status: criteria provided, single submitter. Criteria: ACMG Guidelines, 2015. Collection method: not provided. Allele origin: germline. Inheritance: Autosomal recessive inheritance. Affected: yes.

PreventionGenetics, part of Exact Sciences
Classification: Benign. Review status: criteria provided, single submitter. Criteria: ACMG Guidelines, 2015. Collection method: clinical testing. Allele origin: germline.

NM_032444.4(SLX4):c.4068G>A (p.Pro1356=)

Gene: SLX4 (SLX4 structure-specific endonuclease subunit; minus strand). Cytogenetic location: 16p13.3.
Variant type: single nucleotide variant.
Coding change: c.4068G>A on transcript NM_032444.4 (MANE Select); coding-DNA position 4068, G replaced by A.
Protein change: p.Pro1356=; no amino-acid change (proline 1356 retained).
Molecular consequence: synonymous variant.
Genome position (GRCh38, 1-based): chr16:3,589,570, C>T on the plus strand (G>A on the coding strand, the complement: SLX4 is on the minus strand). VCF-style: chr16-3589570-C-T. GRCh37 (hg19) VCF-style: chr16-3639571-C-T.
Other names: c.4068G>A (LRG_503t1).
Identifiers: ClinVar variation 241687 (VCV000241687.43), dbSNP rs115491049, ClinGen allele CA7865741.
Genomic context (GRCh38, chr16:3,589,570, plus strand): 5'-GTGTTTCAGGAACCGCCTGCTGAAGTGGGCGCGGTCCCCTGAGATGGGATGTGGAGCCAG[C>T]GGAGAGGAGTGCGGGTGGCCCCCGGGGTGGGGACGGGAAGGGCTTCTGTGGCCTTGCCTT-3'
Protein context (NP_115820.2, residues 1346-1366): PHPGGHPHSS[Pro1356=]LAPHPISGDR